The following is an entry in ClinVar:

NM_004385.5(VCAN):c.698G>A (p.Arg233His)

Gene: VCAN (versican; plus strand). Cytogenetic location: 5q14.2.
Variant type: single nucleotide variant.
Coding change: c.698G>A on transcript NM_004385.5 (MANE Select); coding-DNA position 698, G replaced by A.
Protein change: p.Arg233His; replaces arginine 233 with histidine.
Molecular consequence: missense variant.
Genome position (GRCh38, 1-based): chr5:83,493,881, G>A. VCF-style: chr5-83493881-G-A. GRCh37 (hg19) VCF-style: chr5-82789700-G-A.
Other names: c.698G>A, p.Arg233His (NM_001126336.3, NM_001164097.2, NM_001164098.2); short protein forms R233H.
Identifiers: ClinVar variation 2091646 (VCV002091646.4), dbSNP rs2478973604, ClinGen allele CA360296914.

ClinVar aggregate classification (germline): Uncertain significance (1 of 4 stars; one submission).

Allele frequency attached by ClinVar (database versions not stated): gnomAD exomes 0.00001.
gnomAD v4.1: 13 of 1,614,090 alleles (0.00081%); highest among the groups gnomAD compares: East Asian, 0.0022%; no homozygotes.

Submission:

Labcorp Genetics (formerly Invitae), Labcorp
Classification: Uncertain significance. Last evaluated: 2022-05-30. Review status: criteria provided, single submitter. Criteria: Invitae Variant Classification Sherloc (09022015). Collection method: clinical testing. Allele origin: germline.
Comment: This sequence change replaces arginine, which is basic and polar, with histidine, which is basic and polar, at codon 233 of the VCAN protein (p.Arg233His). This variant is not present in population databases (gnomAD no frequency). This variant has not been reported in the literature in individuals affected with VCAN-related conditions. Algorithms developed to predict the effect of missense changes on protein structure and function (SIFT, PolyPhen-2, Align-GVGD) all suggest that this variant is likely to be disruptive. In summary, the available evidence is currently insufficient to determine the role of this variant in disease. Therefore, it has been classified as a Variant of Uncertain Significance.